The following is an entry in ClinVar:

NM_023110.3(FGFR1):c.1285-3C>T

Gene: FGFR1 (fibroblast growth factor receptor 1; minus strand). Cytogenetic location: 8p11.23.
Variant type: single nucleotide variant.
Coding change: c.1285-3C>T on transcript NM_023110.3 (MANE Select); 3 bases into the intron before coding-DNA position 1285, C replaced by T.
Molecular consequence: intron variant.
Genome position (GRCh38, 1-based): chr8:38,418,376, G>A on the plus strand (C>T on the coding strand, the complement: FGFR1 is on the minus strand). VCF-style: chr8-38418376-G-A. GRCh37 (hg19) VCF-style: chr8-38275894-G-A.
Other names: c.1006-3C>T (NM_001354368.2); c.1012-3C>T (NM_001354370.2, NM_023106.3); c.1018-3C>T (NM_023105.3, NM_001174066.2); c.1279-3C>T (NM_001354367.2, NM_015850.4, NM_001174063.2 and 1 more transcripts); c.1255-3C>T (NM_001174064.2); c.1273-3C>T (NM_001354369.2, NM_001410922.1); c.1378-3C>T (NM_001174067.2).
Identifiers: ClinVar variation 3068764 (VCV003068764.2), dbSNP rs1817513237, ClinGen allele CA1777536741.
Genomic context (GRCh38, chr8:38,418,376, plus strand): 5'-GTGATGGCCGAACCAGAAGAACCCCAGAGTTCATGGATGCACTGGAGTCAGCAGACACCT[G>A]CAAGGAAGAGTGGGGTCACCCTAGAGCAAGGAGGGGGGACGGGGTGACTCCTTCCCATTC-3'

ClinVar aggregate classification (germline): Uncertain significance (1 of 4 stars; one submission).

Allele frequency attached by ClinVar (database versions not stated): gnomAD exomes 0.00001; TOPMed below 0.00001.
gnomAD v4.1: 9 of 1,613,546 alleles (0.00056%); highest among the groups gnomAD compares: South Asian, 0.0011%; no homozygotes.

Submission:

Women's Health and Genetics/Laboratory Corporation of America, LabCorp
Classification: Uncertain significance. Last evaluated: 2024-02-21. Review status: criteria provided, single submitter. Criteria: LabCorp Variant Classification Summary - May 2015. Collection method: clinical testing. Allele origin: germline.
Comment: Variant summary: FGFR1 c.1285-3C>T alters a non-conserved nucleotide located close to a canonical splice site and therefore could affect mRNA splicing, leading to a significantly altered protein sequence. Consensus agreement among computation tools predict no significant impact on normal splicing. However, these predictions have yet to be confirmed by functional studies. The variant was absent in 247284 control chromosomes. The available data on variant occurrences in the general population are insufficient to allow any conclusion about variant significance. To our knowledge, no occurrence of c.1285-3C>T in individuals affected with FGFR1-Related Disorders and no experimental evidence demonstrating its impact on protein function have been reported. No submitters have cited clinical-significance assessments for this variant to ClinVar. Based on the evidence outlined above, the variant was classified as uncertain significance.